The following is an entry in ClinVar:

NM_007294.4(BRCA1):c.1854G>C (p.Arg618Ser)

Gene: BRCA1 (BRCA1 DNA repair associated; minus strand). Cytogenetic location: 17q21.31.
Variant type: single nucleotide variant.
Coding change: c.1854G>C on transcript NM_007294.4 (MANE Select); coding-DNA position 1854, G replaced by C.
Protein change: p.Arg618Ser; replaces arginine 618 with serine.
Molecular consequence: missense variant. On other transcripts: intron variant (137).
Genome position (GRCh38, 1-based): chr17:43,093,677, C>G on the plus strand (G>C on the coding strand, the complement: BRCA1 is on the minus strand). VCF-style: chr17-43093677-C-G. GRCh37 (hg19) VCF-style: chr17-41245694-C-G.
Other names: c.1851G>C, p.Arg617Ser (NM_001407638.1, NM_001407644.1, NM_001407645.1 and 22 more transcripts); c.1854G>C, p.Arg618Ser (NM_001407639.1, NM_001407640.1, NM_001407641.1 and 30 more transcripts); c.1845G>C, p.Arg615Ser (NM_001407646.1, NM_001407647.1); c.1731G>C, p.Arg577Ser (NM_001407648.1, NM_001407666.1, NM_001407667.1 and 19 more transcripts); c.1728G>C, p.Arg576Ser (NM_001407649.1, NM_001407670.1, NM_001407671.1 and 11 more transcripts); c.1776G>C, p.Arg592Ser (NM_001407653.1, NM_001407654.1, NM_001407655.1 and 4 more transcripts); c.1773G>C, p.Arg591Ser (NM_001407659.1, NM_001407660.1, NM_001407661.1 and 1 more transcripts); c.1641G>C, p.Arg547Ser (NM_001407571.1, NM_001407853.1, NM_001407894.1 and 9 more transcripts); and 40 more; short protein forms R571S, R618S, R491S, R530S, R551S, R577S, R322S, R507S.
Identifiers: ClinVar variation 1448523 (VCV001448523.9), dbSNP rs1060504585, ClinGen allele CA10598313.

ClinVar aggregate classification (germline): Conflicting classifications of pathogenicity. Review status: criteria provided, conflicting classifications (1 of 4 stars). 2 submissions from 2 submitters: Uncertain significance (1); Likely benign (1). Last evaluated 2023-03-23.

Conditions:
Hereditary cancer-predisposing syndrome. Also called: Hereditary Cancer Syndrome; Hereditary neoplastic syndrome; Neoplastic Syndromes, Hereditary; Tumor predisposition. Identifiers: Orphanet 140162, MedGen C0027672, MeSH D009386, MONDO:0015356.
Hereditary breast ovarian cancer syndrome. Also called: BRCA1- and BRCA2-Associated Hereditary Breast and Ovarian Cancer; Hereditary breast and ovarian cancer; Hereditary breast and ovarian cancer syndrome (HBOC); Hereditary breast and/or ovarian cancer syndrome; Hereditary breast and ovarian cancer syndrome; Breast and ovarian cancer. Identifiers: Orphanet 145, MedGen C0677776, MeSH D061325, MONDO:0003582. Disease mechanism: loss of function.

Submissions (2):

University of Washington Department of Laboratory Medicine, University of Washington
Classification: Likely benign for Hereditary cancer-predisposing syndrome. Last evaluated: 2023-03-23. Review status: criteria provided, single submitter. Criteria: Dines et al. (Genet Med. 2020). Collection method: curation. Allele origin: germline.
Comment: Missense variant in a coldspot region where missense variants are very unlikely to be pathogenic (PMID:31911673).

BRCA1 coldspot (exon 11 using historical exon numbering). Reclassification based on statistical prior probability

Labcorp Genetics (formerly Invitae), Labcorp
Classification: Uncertain significance for Hereditary breast ovarian cancer syndrome. Last evaluated: 2021-10-02. Review status: criteria provided, single submitter. Criteria: Invitae Variant Classification Sherloc (09022015). Collection method: clinical testing. Allele origin: germline.
Comment: This sequence change replaces arginine with serine at codon 618 of the BRCA1 protein (p.Arg618Ser). The arginine residue is moderately conserved and there is a moderate physicochemical difference between arginine and serine. In summary, the available evidence is currently insufficient to determine the role of this variant in disease. Therefore, it has been classified as a Variant of Uncertain Significance. Advanced modeling of protein sequence and biophysical properties (such as structural, functional, and spatial information, amino acid conservation, physicochemical variation, residue mobility, and thermodynamic stability) performed at Invitae indicates that this missense variant is not expected to disrupt BRCA1 protein function. This variant has not been reported in the literature in individuals affected with BRCA1-related conditions. This variant is not present in population databases (ExAC no frequency).